The following is an entry in ClinVar:

NM_020163.3(SEMA3G):c.1271G>A (p.Arg424His)

Gene: SEMA3G (semaphorin 3G; minus strand). Cytogenetic location: 3p21.1.
Variant type: single nucleotide variant.
Coding change: c.1271G>A on transcript NM_020163.3 (MANE Select); coding-DNA position 1271, G replaced by A.
Protein change: p.Arg424His; replaces arginine 424 with histidine.
Molecular consequence: missense variant.
Genome position (GRCh38, 1-based): chr3:52,439,971, C>T on the plus strand (G>A on the coding strand, the complement: SEMA3G is on the minus strand). VCF-style: chr3-52439971-C-T. GRCh37 (hg19) VCF-style: chr3-52473987-C-T.
Other names: c.1271G>A (NM_020163.1); short protein forms R424H.
Identifiers: ClinVar variation 3358607 (VCV003358607.3).

ClinVar aggregate classification (germline): Uncertain significance. Review status: criteria provided, multiple submitters, no conflicts (2 of 4 stars). 2 submissions from 2 submitters: Uncertain significance (2). Last evaluated 2025-08-04.

Conditions:
SEMA3G-related disorder. Also called: SEMA3G-related condition.

gnomAD v4.1: 40 of 1,613,582 alleles (0.0025%); highest among the groups gnomAD compares: Middle Eastern, 0.066%; no homozygotes.

Submissions (2):

PreventionGenetics, part of Exact Sciences
Classification: Uncertain significance for SEMA3G-related condition. Last evaluated: 2025-08-04. Review status: criteria provided, single submitter. Criteria: ACMG Guidelines, 2015. Collection method: clinical testing. Allele origin: germline.
Comment: The SEMA3G c.1271G>A variant is predicted to result in the amino acid substitution p.Arg424His. To our knowledge, this variant has not been reported in the literature. This variant is reported in 0.0033% of alleles in individuals of South Asian descent in gnomAD. At this time, the clinical significance of this variant is uncertain due to the absence of conclusive functional and genetic evidence.

Ambry Genetics
Classification: Uncertain significance. Last evaluated: 2025-05-04. Review status: criteria provided, single submitter. Criteria: Ambry Variant Classification Scheme 2023. Collection method: clinical testing. Allele origin: germline.